The following is an entry in ClinVar:

NM_199420.4(POLQ):c.5369G>C (p.Arg1790Thr)

Gene: POLQ (DNA polymerase theta; minus strand). Cytogenetic location: 3q13.33.
Variant type: single nucleotide variant.
Coding change: c.5369G>C on transcript NM_199420.4 (MANE Select); coding-DNA position 5369, G replaced by C.
Protein change: p.Arg1790Thr; replaces arginine 1790 with threonine.
Molecular consequence: missense variant.
Genome position (GRCh38, 1-based): chr3:121,487,562, C>G on the plus strand (G>C on the coding strand, the complement: POLQ is on the minus strand). VCF-style: chr3-121487562-C-G. GRCh37 (hg19) VCF-style: chr3-121206409-C-G.
Other names: short protein forms R1790T.
Identifiers: ClinVar variation 2563796 (VCV002563796.2), dbSNP rs539376000, ClinGen allele CA2562727.

ClinVar aggregate classification (germline): Uncertain significance (1 of 4 stars; one submission).

Allele frequency attached by ClinVar (database versions not stated): ExAC 0.00001; gnomAD 0.00001; 1000 Genomes Project 30x 0.00016; 1000 Genomes Project 0.00020.
gnomAD v4.1: 1 of 1,614,066 alleles (0.000062%); highest among the groups gnomAD compares: South Asian, 0.0011%; no homozygotes.

Submission:

Ambry Genetics
Classification: Uncertain significance. Last evaluated: 2023-04-13. Review status: criteria provided, single submitter. Criteria: Ambry Variant Classification Scheme 2023. Collection method: clinical testing. Allele origin: germline.
Comment: The p.R1790T variant (also known as c.5369G>C), located in coding exon 16 of the POLQ gene, results from a G to C substitution at nucleotide position 5369. The arginine at codon 1790 is replaced by threonine, an amino acid with similar properties. This amino acid position is conserved. In addition, this alteration is predicted to be tolerated by in silico analysis. Since supporting evidence is limited at this time, the clinical significance of this alteration remains unclear.